The following is an entry in ClinVar:

NM_139058.3(ARX):c.956C>A (p.Ser319Ter)

Gene: ARX (aristaless related homeobox; minus strand). Cytogenetic location: Xp21.3.
Variant type: single nucleotide variant.
Coding change: c.956C>A on transcript NM_139058.3 (MANE Select); coding-DNA position 956, C replaced by A.
Protein change: p.Ser319Ter; replaces serine 319 with a stop codon.
Molecular consequence: nonsense.
Genome position (GRCh38, 1-based): chrX:25,013,039, G>T on the plus strand (C>A on the coding strand, the complement: ARX is on the minus strand). VCF-style: chrX-25013039-G-T. GRCh37 (hg19) VCF-style: chrX-25031156-G-T.
Other names: short protein forms S319*.
Identifiers: ClinVar variation 945320 (VCV000945320.11), dbSNP rs2048708701, ClinGen allele CA412612079.
Genomic context (GRCh38, chrX:25,013,039, plus strand): 5'-TGGTAGCTGGTGAACGTGGTGCGGTAGCGCCTCTGTTTGCGTTTCAGCAGCCCCTCCTCC[G>T]AGTCGCTGCCCGCAGAGAGGCACACGCTGTCCTCGCCGTCCTTGCCCTCAGCGTCTTCCG-3'

ClinVar aggregate classification (germline): Pathogenic/Likely pathogenic. Review status: criteria provided, multiple submitters, no conflicts (2 of 4 stars). 4 submissions from 4 submitters: Pathogenic (3); Likely pathogenic (1). Last evaluated 2025-08-27.

Conditions:
ARX-related disorder. Also called: ARX-Related Disorders; ARX-related condition. Identifiers: MedGen CN378769.
Developmental and epileptic encephalopathy, 1 (DEE1). Also called: OHTAHARA SYNDROME, X-LINKED; Epileptic encephalopathy, early infantile, 1; INFANTILE SPASM SYNDROME, X-LINKED 1; X-linked infantile spasms; West's syndrome; Tonic spasms with clustering, arrest of psychomotor development and hypsarrhythmia on EEG. Identifiers: MedGen C3463992, MONDO:0010632, OMIM 308350. Disease mechanism: loss of function.
Intellectual disability, X-linked, with or without seizures, ARX-related. Also called: INTELLECTUAL DEVELOPMENTAL DISORDER, X-LINKED 29; Mental retardation, X-linked 52; MENTAL RETARDATION, X-LINKED 29; MENTAL RETARDATION, X-LINKED 32; MENTAL RETARDATION, X-LINKED 33; MENTAL RETARDATION, X-LINKED 38. Identifiers: Orphanet 777, MedGen C0796244, MONDO:0010317, OMIM 300419.
X-linked lissencephaly with abnormal genitalia. Identifiers: Orphanet 452, MedGen C1846171, MONDO:0010268, OMIM 300215.

Submissions (4):

GeneDx
Classification: Likely pathogenic. Last evaluated: 2025-08-27. Review status: criteria provided, single submitter. Criteria: GeneDx Variant Classification Process June 2021. Collection method: clinical testing. Allele origin: germline.
Comment: Reported as a de novo variant in one proband from a large exome sequencing study, however no clinical information was provided (PMID: 37236975); Nonsense variant predicted to result in protein truncation or nonsense mediated decay in a gene for which loss of function is a known mechanism of disease; Not observed at significant frequency in large population cohorts (gnomAD); This variant is associated with the following publications: (PMID: 37236975)

Rady Children's Institute for Genomic Medicine, Rady Children's Hospital San Diego
Classification: Pathogenic for ARX-Related Disorders. Last evaluated: 2023-09-29. Review status: criteria provided, single submitter. Criteria: ACMG Guidelines, 2015. Collection method: clinical testing. Allele origin: germline. Affected: yes.
Comment: This nonsense variant found in exon 2 of 5 is predicted to result in loss of normal protein function through either protein truncation or nonsense-mediated mRNA decay. Loss-of-function variation in ARX is an established mechanism of disease (PMID: 19738637). This variant has not been previously reported or functionally characterized in the literature to our knowledge. The c.956C>A (p.Ser319Ter) variant is absent from the gnomAD population database and thus is presumed to be rare. Based on the available evidence, c.956C>A (p.Ser319Ter) is classified as Pathogenic.

Labcorp Genetics (formerly Invitae), Labcorp
Classification: Pathogenic for Developmental and epileptic encephalopathy, 1; Intellectual disability, X-linked, with or without seizures, ARX-related. Last evaluated: 2019-05-16. Review status: criteria provided, single submitter. Criteria: Invitae Variant Classification Sherloc (09022015). Collection method: clinical testing. Allele origin: germline.
Comment: This sequence change creates a premature translational stop signal (p.Ser319*) in the ARX gene. It is expected to result in an absent or disrupted protein product. Loss-of-function variants in ARX are known to be pathogenic (PMID: 19738637). This variant has not been reported in the literature in individuals with ARX-related conditions. This variant is not present in population databases (ExAC no frequency). For these reasons, this variant has been classified as Pathogenic.

Genomic Medicine Lab, University of California San Francisco
Classification: Pathogenic for X-linked lissencephaly with abnormal genitalia. Last evaluated: 2019-04-25. Review status: criteria provided, single submitter. Criteria: ACMG Guidelines, 2015. Collection method: clinical testing. Allele origin: de novo. Inheritance: Autosomal dominant inheritance. Affected: yes. Study: CSER-P3EGS.

Literature cited by the submitters: PubMed 19738637 (cited by Rady Children's Institute for Genomic Medicine, Rady Children's Hospital San Diego and Labcorp Genetics (formerly Invitae), Labcorp).